The following is an entry in ClinVar:

NM_001378615.1(CC2D2A):c.1307A>T (p.Asp436Val)

Genes: CC2D2A (coiled-coil and C2 domain containing 2A; plus strand), FBXL5 (F-box and leucine rich repeat protein 5; minus strand). Cytogenetic location: 4p15.32.
Variant type: single nucleotide variant.
Coding change: c.1307A>T on transcript NM_001378615.1 (MANE Select); coding-DNA position 1307, A replaced by T.
Protein change: p.Asp436Val; replaces aspartic acid 436 with valine.
Molecular consequence: missense variant.
Genome position (GRCh38, 1-based): chr4:15,527,604, A>T. VCF-style: chr4-15527604-A-T. GRCh37 (hg19) VCF-style: chr4-15529227-A-T.
Other names: c.1307A>T, p.Asp436Val (NM_001080522.2); c.1160A>T, p.Asp387Val (NM_001378617.1); short protein forms D387V, D436V.
Identifiers: ClinVar variation 2010314 (VCV002010314.2), dbSNP rs180987891, ClinGen allele CA2863631.

ClinVar aggregate classification (germline): Uncertain significance. Review status: criteria provided, multiple submitters, no conflicts (2 of 4 stars). 2 submissions from 2 submitters: Uncertain significance (2). Last evaluated 2022-07-18.

Conditions:
Joubert syndrome. Also called: JOUBERT-BOLTSHAUSER SYNDROME; Familial aplasia of the vermis. Identifiers: Orphanet 475, MedGen C5979921, MONDO:0018772.
Meckel-Gruber syndrome. Also called: DYSENCEPHALIA SPLANCHNOCYSTICA; GRUBER SYNDROME; Dysencephalia splachnocystica. Identifiers: Orphanet 564, MedGen C0265215, MONDO:0018921.

Allele frequency attached by ClinVar (database versions not stated): gnomAD exomes below 0.00001; TOPMed below 0.00001; ExAC 0.00001; gnomAD 0.00001; 1000 Genomes Project 0.00020; 1000 Genomes Project 30x 0.00031.
gnomAD v4.1: 2 of 1,613,136 alleles (0.00012%); highest among the groups gnomAD compares: Admixed American, 0.0033%; no homozygotes.

Submissions (2):

Labcorp Genetics (formerly Invitae), Labcorp
Classification: Uncertain significance for Joubert syndrome; Meckel-Gruber syndrome. Last evaluated: 2022-07-18. Review status: criteria provided, single submitter. Criteria: Invitae Variant Classification Sherloc (09022015). Collection method: clinical testing. Allele origin: germline.
Comment: This sequence change replaces aspartic acid, which is acidic and polar, with valine, which is neutral and non-polar, at codon 436 of the CC2D2A protein (p.Asp436Val). This variant is present in population databases (rs180987891, gnomAD 0.003%). This variant has not been reported in the literature in individuals affected with CC2D2A-related conditions. Advanced modeling of protein sequence and biophysical properties (such as structural, functional, and spatial information, amino acid conservation, physicochemical variation, residue mobility, and thermodynamic stability) performed at Invitae indicates that this missense variant is expected to disrupt CC2D2A protein function. In summary, the available evidence is currently insufficient to determine the role of this variant in disease. Therefore, it has been classified as a Variant of Uncertain Significance.

Breakthrough Genomics
Classification: Uncertain significance. Review status: criteria provided, single submitter. Criteria: ACMG Guidelines, 2015. Collection method: not provided. Allele origin: germline. Inheritance: Autosomal recessive inheritance. Affected: yes.